The following is an entry in ClinVar:

ClinVar aggregate classification (germline): Uncertain significance. Review status: criteria provided, multiple submitters, no conflicts (2 of 4 stars). 2 submissions from 2 submitters: Uncertain significance (2). Last evaluated 2025-04-23.

Conditions:
Autosomal recessive inherited pseudoxanthoma elasticum (PXE). Identifiers: Orphanet 758, MedGen CN032334, MONDO:0009925, OMIM 264800.
Pseudoxanthoma elasticum, forme fruste. Also called: PSEUDOXANTHOMA ELASTICUM, HETEROZYGOUS; Pseudoxanthoma Elasticum, Incomplete. Identifiers: Orphanet 758, MedGen C1867450, MONDO:0008333, OMIM 177850.
Arterial calcification, generalized, of infancy, 2. Identifiers: Orphanet 51608, MedGen C3276161, MONDO:0013768, OMIM 614473.

Allele frequency attached by ClinVar (database versions not stated): gnomAD exomes below 0.00001 and 0.00001; TOPMed below 0.00001.
gnomAD v4.1: 2 of 1,613,696 alleles (0.00012%); highest among the groups gnomAD compares: Admixed American, 0.0033%; no homozygotes.

Submissions (2):

Labcorp Genetics (formerly Invitae), Labcorp
Classification: Uncertain significance. Last evaluated: 2025-04-23. Review status: criteria provided, single submitter. Criteria: Invitae Variant Classification Sherloc (09022015). Collection method: clinical testing. Allele origin: germline.
Comment: This sequence change replaces threonine, which is neutral and polar, with alanine, which is neutral and non-polar, at codon 421 of the ABCC6 protein (p.Thr421Ala). This variant is present in population databases (no rsID available, gnomAD 0.006%). This variant has not been reported in the literature in individuals affected with ABCC6-related conditions. ClinVar contains an entry for this variant (Variation ID: 1345418). Invitae Evidence Modeling of protein sequence and biophysical properties (such as structural, functional, and spatial information, amino acid conservation, physicochemical variation, residue mobility, and thermodynamic stability) indicates that this missense variant is not expected to disrupt ABCC6 protein function with a negative predictive value of 95%. In summary, the available evidence is currently insufficient to determine the role of this variant in disease. Therefore, it has been classified as a Variant of Uncertain Significance.

Fulgent Genetics
Classification: Uncertain significance for Pseudoxanthoma elasticum, forme fruste; Autosomal recessive inherited pseudoxanthoma elasticum; Arterial calcification, generalized, of infancy, 2. Last evaluated: 2024-03-13. Review status: criteria provided, single submitter. Criteria: ACMG Guidelines, 2015. Collection method: clinical testing. Allele origin: germline.

NM_001171.6(ABCC6):c.1261A>G (p.Thr421Ala)

Gene: ABCC6 (ATP binding cassette subfamily C member 6; minus strand). Cytogenetic location: 16p13.11.
Variant type: single nucleotide variant.
Coding change: c.1261A>G on transcript NM_001171.6 (MANE Select); coding-DNA position 1261, A replaced by G.
Protein change: p.Thr421Ala; replaces threonine 421 with alanine.
Molecular consequence: missense variant. On other transcripts: non-coding transcript variant (1).
Genome position (GRCh38, 1-based): chr16:16,198,098, T>C on the plus strand (A>G on the coding strand, the complement: ABCC6 is on the minus strand). VCF-style: chr16-16198098-T-C. GRCh37 (hg19) VCF-style: chr16-16291955-T-C.
Other names: c.919A>G, p.Thr307Ala (NM_001351800.1); short protein forms T307A, T421A.
Identifiers: ClinVar variation 1345418 (VCV001345418.8), dbSNP rs932396289, ClinGen allele CA278664105.